The following is an entry in ClinVar:

NM_182914.3(SYNE2):c.7495C>G (p.Gln2499Glu)

Gene: SYNE2 (spectrin repeat containing nuclear envelope protein 2; plus strand). Cytogenetic location: 14q23.2.
Variant type: single nucleotide variant.
Coding change: c.7495C>G on transcript NM_182914.3 (MANE Select); coding-DNA position 7495, C replaced by G.
Protein change: p.Gln2499Glu; replaces glutamine 2499 with glutamic acid.
Molecular consequence: missense variant.
Genome position (GRCh38, 1-based): chr14:64,049,728, C>G. VCF-style: chr14-64049728-C-G. GRCh37 (hg19) VCF-style: chr14-64516446-C-G.
Other names: c.7495C>G, p.Gln2499Glu (NM_015180.6); c.7495C>G (NM_182914.2); short protein forms Q2499E.
Identifiers: ClinVar variation 2682559 (VCV002682559.2), dbSNP rs781773222, ClinGen allele CA7220953.
Genomic context (GRCh38, chr14:64,049,728, plus strand): 5'-GAATGTCTTAACAAAACAGAAACTGGGGCCTTGGTTCTCCACAATATAGGATATTCGGCA[C>G]AGCATTTGGACAATTTGCTTCAGGCACTTATTACTTTGAAGAAAAACAAAGAAAGCCAAT-3'
Protein context (NP_878918.2, residues 2489-2509): LVLHNIGYSA[Gln2499Glu]HLDNLLQALI

ClinVar aggregate classification (germline): Uncertain significance. Review status: criteria provided, multiple submitters, no conflicts (2 of 4 stars). 2 submissions from 2 submitters: Uncertain significance (2). Last evaluated 2024-08-11.

Allele frequency attached by ClinVar (database versions not stated): gnomAD exomes below 0.00001; ExAC 0.00001; TOPMed 0.00001; gnomAD 0.00003.
gnomAD v4.1: 8 of 1,614,122 alleles (0.0005%); highest among the groups gnomAD compares: Middle Eastern, 0.017%; no homozygotes.

Submissions (2):

Ambry Genetics
Classification: Uncertain significance. Last evaluated: 2024-08-11. Review status: criteria provided, single submitter. Criteria: Ambry Variant Classification Scheme 2023. Collection method: clinical testing. Allele origin: germline.

Women's Health and Genetics/Laboratory Corporation of America, LabCorp
Classification: Uncertain significance. Last evaluated: 2023-11-15. Review status: criteria provided, single submitter. Criteria: LabCorp Variant Classification Summary - May 2015. Collection method: clinical testing. Allele origin: germline.
Comment: Variant summary: SYNE2 c.7495C>G (p.Gln2499Glu) results in a conservative amino acid change in the encoded protein sequence. Five of five in-silico tools predict a benign effect of the variant on protein function. The variant allele was found at a frequency of 4e-06 in 249482 control chromosomes (gnomAD). The available data on variant occurrences in the general population are insufficient to allow any conclusion about variant significance. To our knowledge, no occurrence of c.7495C>G in individuals affected with Emery-Dreifuss Muscular Dystrophy and no experimental evidence demonstrating its impact on protein function have been reported. No submitters have cited clinical-significance assessments for this variant to ClinVar after 2014. Based on the evidence outlined above, the variant was classified as uncertain significance.